The following is an entry in ClinVar:

NM_017534.6(MYH2):c.3223A>C (p.Ile1075Leu)

Genes: MYHAS (myosin heavy chain gene cluster antisense RNA; plus strand), MYH2 (myosin heavy chain 2; minus strand). Cytogenetic location: 17p13.1.
Variant type: single nucleotide variant.
Coding change: c.3223A>C on transcript NM_017534.6 (MANE Select); coding-DNA position 3223, A replaced by C.
Protein change: p.Ile1075Leu; replaces isoleucine 1075 with leucine.
Molecular consequence: missense variant.
Genome position (GRCh38, 1-based): chr17:10,529,376, T>G on the plus strand (A>C on the coding strand, the complement: MYH2 is on the minus strand). VCF-style: chr17-10529376-T-G. GRCh37 (hg19) VCF-style: chr17-10432693-T-G.
Other names: c.3223A>C, p.Ile1075Leu (NM_001100112.2); short protein forms I1075L.
Identifiers: ClinVar variation 2101090 (VCV002101090.4), dbSNP rs766037306, ClinGen allele CA398138150.

ClinVar aggregate classification (germline): Uncertain significance (1 of 4 stars; one submission).

Conditions:
Myopathy, proximal, and ophthalmoplegia (CMYO6). Also called: INCLUSION BODY MYOPATHY 3, AUTOSOMAL DOMINANT; CONGENITAL MYOPATHY 6 WITH OPHTHALMOPLEGIA; MYOPATHY WITH CONGENITAL JOINT CONTRACTURES, OPHTHALMOPLEGIA, AND RIMMED VACUOLES. Identifiers: Orphanet 363677, Orphanet 79091, MedGen C1854106, MONDO:0011577, OMIM 605637.

Submission:

Labcorp Genetics (formerly Invitae), Labcorp
Classification: Uncertain significance for Myopathy, proximal, and ophthalmoplegia. Last evaluated: 2023-08-09. Review status: criteria provided, single submitter. Criteria: Invitae Variant Classification Sherloc (09022015). Collection method: clinical testing. Allele origin: germline.
Comment: In summary, the available evidence is currently insufficient to determine the role of this variant in disease. Therefore, it has been classified as a Variant of Uncertain Significance. Advanced modeling of protein sequence and biophysical properties (such as structural, functional, and spatial information, amino acid conservation, physicochemical variation, residue mobility, and thermodynamic stability) performed at Invitae indicates that this missense variant is not expected to disrupt MYH2 protein function. ClinVar contains an entry for this variant (Variation ID: 2101090). This variant has not been reported in the literature in individuals affected with MYH2-related conditions. This variant is not present in population databases (gnomAD no frequency). This sequence change replaces isoleucine, which is neutral and non-polar, with leucine, which is neutral and non-polar, at codon 1075 of the MYH2 protein (p.Ile1075Leu).